The following is an entry in ClinVar:

NM_001001344.3(ATP2B3):c.1398C>T (p.Asn466=)

Gene: ATP2B3 (ATPase plasma membrane Ca2+ transporting 3; plus strand). Cytogenetic location: Xq28.
Variant type: single nucleotide variant.
Coding change: c.1398C>T on transcript NM_001001344.3 (MANE Select); coding-DNA position 1398, C replaced by T.
Protein change: p.Asn466=; no amino-acid change (asparagine 466 retained).
Molecular consequence: synonymous variant.
Genome position (GRCh38, 1-based): chrX:153,549,556, C>T. VCF-style: chrX-153549556-C-T. GRCh37 (hg19) VCF-style: chrX-152815014-C-T.
Other names: c.1398C>T, p.Asn466= (NM_001388360.1, NM_001388361.1, NM_001388362.1 and 1 more transcripts); c.1356C>T, p.Asn452= (NM_001410708.1).
Identifiers: ClinVar variation 3053868 (VCV003053868.3), dbSNP rs145661591, ClinGen allele CA10547730.

ClinVar aggregate classification (germline): Likely benign. Review status: criteria provided, single submitter (1 of 4 stars). 2 submissions from 2 submitters: Likely benign (1). 1 of the submissions does not count toward it. Last evaluated 2021-08-02.

Conditions:
ATP2B3-related disorder. Also called: ATP2B3-related condition.

Allele frequency attached by ClinVar (database versions not stated): gnomAD exomes 0.00004; ExAC 0.00014; gnomAD 0.00025; TOPMed 0.00036; ESP Exome Variant Server 0.00047; 1000 Genomes Project 0.00079; 1000 Genomes Project 30x 0.00104.
gnomAD v4.1: 74 of 1,211,090 alleles (0.0061%); highest among the groups gnomAD compares: African/African-American, 0.071%; no homozygotes.

Submissions (2):

Blueprint Genetics
Classification: Likely benign. Last evaluated: 2021-08-02. Review status: criteria provided, single submitter. Criteria: ACMG Guidelines, 2015. Collection method: clinical testing. Allele origin: germline.

PreventionGenetics, part of Exact Sciences
Classification: Likely benign for ATP2B3-related condition. Last evaluated: 2019-08-15. Review status: no assertion criteria provided. Collection method: clinical testing. Allele origin: germline. Not counted in ClinVar's aggregate classification.
Comment: This variant is classified as likely benign based on ACMG/AMP sequence variant interpretation guidelines (Richards et al. 2015 PMID: 25741868, with internal and published modifications).